The following is an entry in ClinVar:

NM_001148.6(ANK2):c.10080G>C (p.Gln3360His)

Gene: ANK2 (ankyrin 2; plus strand). Cytogenetic location: 4q26.
Variant type: single nucleotide variant.
Coding change: c.10080G>C on transcript NM_001148.6 (MANE Select); coding-DNA position 10080, G replaced by C.
Protein change: p.Gln3360His; replaces glutamine 3360 with histidine.
Molecular consequence: missense variant. On other transcripts: intron variant (68).
Genome position (GRCh38, 1-based): chr4:113,358,698, G>C. VCF-style: chr4-113358698-G-C. GRCh37 (hg19) VCF-style: chr4-114279854-G-C.
Other names: c.9846G>C, p.Gln3282His (NM_001386142.1); c.6480G>C, p.Gln2160His (NM_001386166.1); c.10221G>C, p.Gln3407His (NM_001386174.1); c.10197G>C, p.Gln3399His (NM_001386175.1); c.4412-2125G>C (NM_001386186.2, NM_001386148.2); c.4214-2125G>C (NM_001354269.3); c.4292-2125G>C (NM_001386187.2); c.4253-2125G>C (NM_001386147.1); and 35 more; short protein forms Q2160H, Q3282H, Q3360H, Q3399H, Q3407H.
Identifiers: ClinVar variation 1339932 (VCV001339932.11), dbSNP rs1214575789, ClinGen allele CA357939640.

ClinVar aggregate classification (germline): Uncertain significance (1 of 4 stars; one submission).

Conditions:
Long QT syndrome (LQTS). Identifiers: MedGen C0023976, MeSH D008133, MONDO:0002442. Disease mechanism: loss of function. Inheritance: Various modes of inheritance.
Cardiac arrhythmia, ankyrin-B-related. Also called: ANKYRIN-B SYNDROME. Identifiers: Orphanet 101016, Orphanet 768, MedGen C1970119, MONDO:0010958, OMIM 600919.

Allele frequency attached by ClinVar (database versions not stated): gnomAD exomes below 0.00001; TOPMed below 0.00001; gnomAD 0.00001.
gnomAD v4.1: 2 of 1,613,948 alleles (0.00012%); highest among the groups gnomAD compares: Non-Finnish European, 0.00017%; no homozygotes.

Submission:

Labcorp Genetics (formerly Invitae), Labcorp
Classification: Uncertain significance for Long QT syndrome. Last evaluated: 2023-05-08. Review status: criteria provided, single submitter. Criteria: Invitae Variant Classification Sherloc (09022015). Collection method: clinical testing. Allele origin: germline.
Comment: ClinVar contains an entry for this variant (Variation ID: 1339932). In summary, the available evidence is currently insufficient to determine the role of this variant in disease. Therefore, it has been classified as a Variant of Uncertain Significance. Algorithms developed to predict the effect of missense changes on protein structure and function output the following: SIFT: "Not Available"; PolyPhen-2: "Benign"; Align-GVGD: "Not Available". The histidine amino acid residue is found in multiple mammalian species, which suggests that this missense change does not adversely affect protein function. This variant has not been reported in the literature in individuals affected with ANK2-related conditions. This variant is not present in population databases (gnomAD no frequency). This sequence change replaces glutamine, which is neutral and polar, with histidine, which is basic and polar, at codon 3360 of the ANK2 protein (p.Gln3360His).